The following is an entry in ClinVar:

ClinVar aggregate classification (germline): Uncertain significance. Review status: criteria provided, multiple submitters, no conflicts (2 of 4 stars). 2 submissions from 2 submitters: Uncertain significance (2). Last evaluated 2024-11-27.

Conditions:
Inborn genetic diseases. Identifiers: MedGen C0950123, MeSH D030342.

Allele frequency attached by ClinVar (database versions not stated): gnomAD 0.00001; ExAC 0.00002; TOPMed 0.00002; gnomAD exomes 0.00003; ESP Exome Variant Server 0.00008.
gnomAD v4.1: 47 of 1,614,048 alleles (0.0029%); highest among the groups gnomAD compares: Non-Finnish European, 0.0037%; no homozygotes.

Submissions (2):

Labcorp Genetics (formerly Invitae), Labcorp
Classification: Uncertain significance. Last evaluated: 2024-11-27. Review status: criteria provided, single submitter. Criteria: Invitae Variant Classification Sherloc (09022015). Collection method: clinical testing. Allele origin: germline.
Comment: This sequence change replaces arginine, which is basic and polar, with tryptophan, which is neutral and slightly polar, at codon 78 of the DIP2C protein (p.Arg78Trp). This variant is present in population databases (rs373914983, gnomAD 0.007%). This variant has not been reported in the literature in individuals affected with DIP2C-related conditions. ClinVar contains an entry for this variant (Variation ID: 2519640). An algorithm developed to predict the effect of missense changes on protein structure and function (PolyPhen-2) suggests that this variant is likely to be disruptive. In summary, the available evidence is currently insufficient to determine the role of this variant in disease. Therefore, it has been classified as a Variant of Uncertain Significance.

Ambry Genetics
Classification: Uncertain significance for Inborn genetic diseases. Last evaluated: 2023-05-31. Review status: criteria provided, single submitter. Criteria: Ambry Variant Classification Scheme 2023. Collection method: clinical testing. Allele origin: germline.

NM_014974.3(DIP2C):c.232C>T (p.Arg78Trp)

Gene: DIP2C (DIP2 acetate--CoA ligase C (putative); minus strand). Cytogenetic location: 10p15.3.
Variant type: single nucleotide variant.
Coding change: c.232C>T on transcript NM_014974.3 (MANE Select); coding-DNA position 232, C replaced by T.
Protein change: p.Arg78Trp; replaces arginine 78 with tryptophan.
Molecular consequence: missense variant.
Genome position (GRCh38, 1-based): chr10:472,475, G>A on the plus strand (C>T on the coding strand, the complement: DIP2C is on the minus strand). VCF-style: chr10-472475-G-A. GRCh37 (hg19) VCF-style: chr10-518415-G-A.
Other names: short protein forms R78W.
Identifiers: ClinVar variation 2519640 (VCV002519640.4), dbSNP rs373914983, ClinGen allele CA5381422.